The following is an entry in ClinVar:

NM_004260.4(RECQL4):c.545G>C (p.Arg182Pro)

Gene: RECQL4 (RecQ like helicase 4; minus strand). Cytogenetic location: 8q24.3.
Variant type: single nucleotide variant.
Coding change: c.545G>C on transcript NM_004260.4 (MANE Select); coding-DNA position 545, G replaced by C.
Protein change: p.Arg182Pro; replaces arginine 182 with proline.
Molecular consequence: missense variant.
Genome position (GRCh38, 1-based): chr8:144,516,574, C>G on the plus strand (G>C on the coding strand, the complement: RECQL4 is on the minus strand). VCF-style: chr8-144516574-C-G. GRCh37 (hg19) VCF-style: chr8-145741958-C-G.
Other names: short protein forms R182P.
Identifiers: ClinVar variation 459505 (VCV000459505.3), dbSNP rs565903685, ClinGen allele CA372691079.
Genomic context (GRCh38, chr8:144,516,574, plus strand): 5'-AGAAAATCTGGGACCTCACTGTGACATCGCTGTAACCAGCCAGGATCTAGGGAGCCCAGC[C>G]GCTGGCTCAGGGATGCCTGCAGATGCTGGAGCCGGCCTGGCCTTGGCTGGGGCTCAGGGA-3'
Protein context (NP_004251.4, residues 172-192): LQHLQASLSQ[Arg182Pro]LGSLDPGWLQ

ClinVar aggregate classification (germline): Uncertain significance. Review status: criteria provided, multiple submitters, no conflicts (2 of 4 stars). 3 submissions from 3 submitters: Uncertain significance (3). Last evaluated 2025-03-18.

Conditions:
Inborn genetic diseases. Identifiers: MedGen C0950123, MeSH D030342.
Rothmund-Thomson syndrome type 2 (RTS2). Identifiers: Orphanet 221016, MedGen C5203410, MONDO:0016369, OMIM 268400.
Baller-Gerold syndrome (BGS). Also called: CRANIOSYNOSTOSIS WITH RADIAL DEFECTS. Identifiers: Orphanet 1225, MedGen C0265308, MONDO:0009039, OMIM 218600.

gnomAD v4.1: 3 of 1,609,816 alleles (0.00019%); highest among the groups gnomAD compares: Non-Finnish European, 0.00025%; no homozygotes.

Submissions (3):

Ambry Genetics
Classification: Uncertain significance for Inborn genetic diseases. Last evaluated: 2025-03-18. Review status: criteria provided, single submitter. Criteria: Ambry Variant Classification Scheme 2023. Collection method: clinical testing. Allele origin: germline.
Comment: The p.R182P variant (also known as c.545G>C), located in coding exon 5 of the RECQL4 gene, results from a G to C substitution at nucleotide position 545. The arginine at codon 182 is replaced by proline, an amino acid with dissimilar properties. This amino acid position is conserved. In addition, this alteration is predicted to be tolerated by in silico analysis. Based on the available evidence, the clinical significance of this variant remains unclear.

St. Jude Molecular Pathology, St. Jude Children's Research Hospital
Classification: Uncertain significance for Rothmund-Thomson syndrome type 2. Last evaluated: 2023-01-30. Review status: criteria provided, single submitter. Criteria: St. Jude Assertion Criteria 2020. Collection method: clinical testing. Allele origin: germline.
Comment: The RECQL4 c.545G>C (p.Arg182Pro) missense change is absent in gnomAD v2.1.1. In silico tools are inconclusive about a benign or deleterious effect of this variant on protein function, and to our knowledge functional studies have not been performed. To our knowledge, this variant has not been reported in individuals with RECQL4-associated conditions. In summary, the evidence currently available is insufficient to determine the clinical significance of this variant. It has therefore been classified as of uncertain significance.

Labcorp Genetics (formerly Invitae), Labcorp
Classification: Uncertain significance for Baller-Gerold syndrome. Last evaluated: 2022-07-05. Review status: criteria provided, single submitter. Criteria: Invitae Variant Classification Sherloc (09022015). Collection method: clinical testing. Allele origin: germline.
Comment: This sequence change replaces arginine, which is basic and polar, with proline, which is neutral and non-polar, at codon 182 of the RECQL4 protein (p.Arg182Pro). This variant is not present in population databases (gnomAD no frequency). This variant has not been reported in the literature in individuals affected with RECQL4-related conditions. ClinVar contains an entry for this variant (Variation ID: 459505). Experimental studies and prediction algorithms are not available or were not evaluated, and the functional significance of this variant is currently unknown. In summary, the available evidence is currently insufficient to determine the role of this variant in disease. Therefore, it has been classified as a Variant of Uncertain Significance.